The following is an entry in ClinVar:

ClinVar aggregate classification (germline): Conflicting classifications of pathogenicity. Review status: criteria provided, conflicting classifications (1 of 4 stars). 2 submissions from 2 submitters: Pathogenic (1); Uncertain significance (1). Last evaluated 2024-04-03.

Conditions:
Lissencephaly due to LIS1 mutation (LIS1). Also called: PAFAH1B1-Associated Lissencephaly/Subcortical Band Heterotopia; PAFAH1B1-Related Lissencephaly/Subcortical Band Heterotopia; Isolated Lissencephaly Sequence. Identifiers: Orphanet 95232, MedGen C4749301, MONDO:0011830, OMIM 607432.

Submissions (2):

Labcorp Genetics (formerly Invitae), Labcorp
Classification: Uncertain significance. Last evaluated: 2024-04-03. Review status: criteria provided, single submitter. Criteria: Invitae Variant Classification Sherloc (09022015). Collection method: clinical testing. Allele origin: germline.
Comment: This sequence change replaces cysteine, which is neutral and slightly polar, with arginine, which is basic and polar, at codon 281 of the PAFAH1B1 protein (p.Cys281Arg). This variant is not present in population databases (gnomAD no frequency). This variant has not been reported in the literature in individuals affected with PAFAH1B1-related conditions. ClinVar contains an entry for this variant (Variation ID: 159546). An algorithm developed to predict the effect of missense changes on protein structure and function (PolyPhen-2) suggests that this variant is likely to be disruptive. In summary, the available evidence is currently insufficient to determine the role of this variant in disease. Therefore, it has been classified as a Variant of Uncertain Significance.

Genetic Services Laboratory, University of Chicago
Classification: Pathogenic for Lissencephaly 1. Last evaluated: 2013-02-08. Review status: criteria provided, single submitter. Criteria: ACMG Guidelines, 2007. Collection method: clinical testing. Allele origin: germline. Inheritance: Autosomal dominant inheritance. Affected: yes.

NM_000430.4(PAFAH1B1):c.841T>C (p.Cys281Arg)

Gene: PAFAH1B1 (platelet activating factor acetylhydrolase 1b regulatory subunit 1; plus strand). Cytogenetic location: 17p13.3.
Variant type: single nucleotide variant.
Coding change: c.841T>C on transcript NM_000430.4 (MANE Select); coding-DNA position 841, T replaced by C.
Protein change: p.Cys281Arg; replaces cysteine 281 with arginine.
Molecular consequence: missense variant.
Genome position (GRCh38, 1-based): chr17:2,674,229, T>C. VCF-style: chr17-2674229-T-C. GRCh37 (hg19) VCF-style: chr17-2577523-T-C.
Other names: short protein forms C281R.
Identifiers: ClinVar variation 159546 (VCV000159546.8), dbSNP rs587784288, ClinGen allele CA272445.